The following is an entry in ClinVar:

NM_001098426.2(SMARCD2):c.1546_1553del (p.Gln516fs)

Gene: SMARCD2 (SWI/SNF related BAF chromatin remodeling complex subunit D2; minus strand). Cytogenetic location: 17q23.3.
Variant type: Deletion.
Coding change: c.1546_1553del on transcript NM_001098426.2 (MANE Select); coding-DNA positions 1546 to 1553, 8 bases deleted (CAGCAGCG; older notation c.1546_1553delCAGCAGCG).
Protein change: p.Gln516fs; shifts the reading frame from glutamine 516.
Molecular consequence: frameshift variant.
Genome position (GRCh38, 1-based): chr17:63,832,981-63,832,988, CGCTGCTG deleted on the plus strand (CAGCAGCG on the coding strand, the reverse complement: SMARCD2 is on the minus strand); deleting any 8 consecutive bases within chr17:63,832,981-63,832,989 gives the same sequence; the c. name uses the placement nearest the transcript's 3' end. VCF-style (leftmost placement, unchanged base first): chr17-63832980-TCGCTGCTG-T. GRCh37 (hg19) VCF-style: chr17-61910340-TCGCTGCTG-T.
Other names: c.1321_1328del, p.Gln441fs (NM_001330439.1); c.1402_1409del, p.Gln468fs (NM_001330440.2); short protein forms Q516fs, Q441fs, Q468fs.
Identifiers: ClinVar variation 4733348 (VCV004733348.1).

ClinVar aggregate classification (germline): Uncertain significance (1 of 4 stars; one submission).

Submission:

Labcorp Genetics (formerly Invitae), Labcorp
Classification: Uncertain significance. Last evaluated: 2025-12-16. Review status: criteria provided, single submitter. Criteria: Invitae Variant Classification Sherloc (09022015). Collection method: clinical testing. Allele origin: germline.
Comment: This sequence change is expected to alter the c-terminus of the SMARCD2 protein (p.Gln516Lysfs*45). While this is not anticipated to result in nonsense mediated decay, it is expected to disrupt the last 16 amino acid(s) of the SMARCD2 protein and extend the protein by 28 additional amino acid residues. This variant is not present in population databases (gnomAD no frequency). This variant has not been reported in the literature in individuals affected with SMARCD2-related conditions. Experimental studies and prediction algorithms are not available or were not evaluated, and the functional significance of this variant is currently unknown. Algorithms developed to predict the effect of sequence changes on RNA splicing suggest that this variant may disrupt the consensus splice site. In summary, the available evidence is currently insufficient to determine the role of this variant in disease. Therefore, it has been classified as a Variant of Uncertain Significance.